The following is an entry in ClinVar:

ClinVar aggregate classification (germline): Uncertain significance (1 of 4 stars; one submission).

Submission:

Ambry Genetics
Classification: Uncertain significance. Last evaluated: 2022-05-09. Review status: criteria provided, single submitter. Criteria: Ambry Variant Classification Scheme 2023. Collection method: clinical testing. Allele origin: germline.
Comment: The p.T206A variant (also known as c.616A>G), located in coding exon 6 of the PRKDC gene, results from an A to G substitution at nucleotide position 616. The threonine at codon 206 is replaced by alanine, an amino acid with similar properties. This amino acid position is conserved. In addition, this alteration is predicted to be tolerated by in silico analysis. Since supporting evidence is limited at this time, the clinical significance of this alteration remains unclear.

NM_006904.7(PRKDC):c.616A>G (p.Thr206Ala)

Gene: PRKDC (protein kinase, DNA-activated, catalytic subunit; minus strand). Cytogenetic location: 8q11.21.
Variant type: single nucleotide variant.
Coding change: c.616A>G on transcript NM_006904.7 (MANE Select); coding-DNA position 616, A replaced by G.
Protein change: p.Thr206Ala; replaces threonine 206 with alanine.
Molecular consequence: missense variant.
Genome position (GRCh38, 1-based): chr8:47,953,812, T>C on the plus strand (A>G on the coding strand, the complement: PRKDC is on the minus strand). VCF-style: chr8-47953812-T-C. GRCh37 (hg19) VCF-style: chr8-48866372-T-C.
Other names: c.616A>G, p.Thr206Ala (NM_001081640.2); short protein forms T206A.
Identifiers: ClinVar variation 1751985 (VCV001751985.2), dbSNP rs2551881785, ClinGen allele CA371138703.
Genomic context (GRCh38, chr8:47,953,812, plus strand): 5'-AAGAGAAAAACACAACCACATCTATGGAAGCAGAATGTCATAAAGTTCATCATACCTGGG[T>C]CTTAAGTTCACCCAGAAAAGCGCGGAACAGGTTTTCTGCATTATTTATCATCTCACTAGG-3'
Protein context (NP_008835.5, residues 196-216): LFRAFLGELK[Thr206Ala]QMTSAVREPK